The following is an entry in ClinVar:

ClinVar aggregate classification (germline): Conflicting classifications of pathogenicity. Review status: criteria provided, conflicting classifications (1 of 4 stars). 2 submissions from 2 submitters: Pathogenic (1); Uncertain significance (1). Last evaluated 2023-02-03.

Conditions:
Cornelia de Lange syndrome 1 (CDLS1). Also called: Brachmann de Lange syndrome; TYPUS DEGENERATIVUS AMSTELODAMENSIS; NIPBL-Related Cornelia de Lange Syndrome. Identifiers: Orphanet 199, MedGen C4551851, MONDO:0007387, OMIM 122470.

Submissions (2):

GeneDx
Classification: Uncertain significance. Last evaluated: 2023-02-03. Review status: criteria provided, single submitter. Criteria: GeneDx Variant Classification Process June 2021. Collection method: clinical testing. Allele origin: germline. Affected: yes.
Comment: Not observed at significant frequency in large population cohorts (gnomAD); In silico analysis supports that this variant does not alter splicing; This variant is associated with the following publications: (PMID: 25525159, 22857006, 20824775, 32856424)

Labcorp Genetics (formerly Invitae), Labcorp
Classification: Pathogenic for Cornelia de Lange syndrome 1. Last evaluated: 2017-01-28. Review status: criteria provided, single submitter. Criteria: Invitae Variant Classification Sherloc (09022015). Collection method: clinical testing. Allele origin: germline.
Comment: For these reasons, this variant has been classified as Pathogenic. A different variant affecting this nucleotide (c.6589+5G>C) has been determined to be pathogenic (PMID: 22857006). This suggests that this nucleotide is critical for normal RNA splicing, and that other variants at this position may also be pathogenic. This variant has been reported in individuals affected with Cornelia de Lange Syndrome (PMID: 20824775, Invitae). In one of these individuals, it was reported to be de novo (PMID: 20824775). Nucleotide substitutions within the consensus splice site are relatively common causes of aberrant splicing (PMID: 17576681, 9536098). Algorithms developed to predict the effect of nucleotide changes on RNA splicing suggest that this c.6589+5G>A variant may alter RNA splicing, although this prediction has not been confirmed by published studies. This variant is not present in population databases (ExAC no frequency). This sequence change falls in intron 38 of the NIPBL gene. It does not directly change the encoded amino acid sequence of the NIPBL protein, but it affects a nucleotide within the consensus splice site of the intron.

Literature cited by the submitters: PubMed 22857006 (cited by Labcorp Genetics (formerly Invitae), Labcorp); PubMed 20824775 (cited by Labcorp Genetics (formerly Invitae), Labcorp); PubMed 17576681 (cited by Labcorp Genetics (formerly Invitae), Labcorp); PubMed 9536098 (cited by Labcorp Genetics (formerly Invitae), Labcorp).

NM_133433.4(NIPBL):c.6589+5G>A

Gene: NIPBL (NIPBL cohesin loading factor; plus strand). Cytogenetic location: 5p13.2.
Variant type: single nucleotide variant.
Coding change: c.6589+5G>A on transcript NM_133433.4 (MANE Select); 5 bases into the intron after coding-DNA position 6589, G replaced by A.
Molecular consequence: intron variant.
Genome position (GRCh38, 1-based): chr5:37,046,204, G>A. VCF-style: chr5-37046204-G-A. GRCh37 (hg19) VCF-style: chr5-37046306-G-A.
Other names: c.6589+5G>A (NM_015384.5).
Identifiers: ClinVar variation 476595 (VCV000476595.9), dbSNP rs1554032266, ClinGen allele CA658657441.